The following is an entry in ClinVar:

NM_133433.4(NIPBL):c.6694C>G (p.Gln2232Glu)

Gene: NIPBL (NIPBL cohesin loading factor; plus strand). Cytogenetic location: 5p13.2.
Variant type: single nucleotide variant.
Coding change: c.6694C>G on transcript NM_133433.4 (MANE Select); coding-DNA position 6694, C replaced by G.
Protein change: p.Gln2232Glu; replaces glutamine 2232 with glutamic acid.
Molecular consequence: missense variant.
Genome position (GRCh38, 1-based): chr5:37,048,606, C>G. VCF-style: chr5-37048606-C-G. GRCh37 (hg19) VCF-style: chr5-37048708-C-G.
Other names: c.6694C>G, p.Gln2232Glu (NM_015384.5); short protein forms Q2232E.
Identifiers: ClinVar variation 3061896 (VCV003061896.1), dbSNP rs2478617722, ClinGen allele CA359508398.

ClinVar aggregate classification (germline): Uncertain significance (1 of 4 stars; one submission).

Conditions:
Cornelia de Lange syndrome 1 (CDLS1). Also called: Brachmann de Lange syndrome; NIPBL-Related Cornelia de Lange Syndrome; TYPUS DEGENERATIVUS AMSTELODAMENSIS. Identifiers: Orphanet 199, MedGen C4551851, MONDO:0007387, OMIM 122470.

Submission:

MVZ Medizinische Genetik Mainz
Classification: Uncertain significance for Cornelia de Lange syndrome 1. Last evaluated: 2022-08-30. Review status: criteria provided, single submitter. Criteria: UK Practice Guidelines For Variant Classification V4 01 2020. Collection method: clinical testing. Allele origin: germline. Inheritance: Autosomal dominant inheritance. Affected: yes. Observed: 1 variant allele.
Comment: PM2_SUP, PP2, PP3 (ACMG Version 4); PM6_SUP